The following is an entry in ClinVar:

NM_021095.4(SLC5A6):c.914T>A (p.Leu305His)

Gene: SLC5A6 (solute carrier family 5 member 6; minus strand). Cytogenetic location: 2p23.3.
Variant type: single nucleotide variant.
Coding change: c.914T>A on transcript NM_021095.4 (MANE Select); coding-DNA position 914, T replaced by A.
Protein change: p.Leu305His; replaces leucine 305 with histidine.
Molecular consequence: missense variant. On other transcripts: non-coding transcript variant (1).
Genome position (GRCh38, 1-based): chr2:27,204,552, A>T on the plus strand (T>A on the coding strand, the complement: SLC5A6 is on the minus strand). VCF-style: chr2-27204552-A-T. GRCh37 (hg19) VCF-style: chr2-27427420-A-T.
Other names: short protein forms L305H.
Identifiers: ClinVar variation 989312 (VCV000989312.4), dbSNP rs1673905921, ClinGen allele CA346172549.

ClinVar aggregate classification (germline): Uncertain significance (1 of 4 stars; one submission).

Conditions:
SLC5A6-related disorder.

Submission:

Illumina Laboratory Services, Illumina
Classification: Uncertain significance for SLC5A6-related disorder. Last evaluated: 2020-05-31. Review status: criteria provided, single submitter. Criteria: ICSLVariantClassificationCriteria RUGD 01 April 2020. Collection method: clinical testing. Allele origin: unknown.
Comment: The SLC5A6 c.914T>A (p.Leu305His) variant is a missense variant. A literature search was performed for the gene, cDNA change, and amino acid change. No publications were found based on this search. This variant is not found in the Genome Aggregation Database in a region of good sequence coverage, so the variant is presumed to be rare. Based on the limited evidence, the p.Leu305His variant is classified as a variant of uncertain significance for SLC5A6-related neurodegenerative disorder.